The following is an entry in ClinVar:

ClinVar aggregate classification (germline): Uncertain significance (1 of 4 stars; one submission).

Submission:

GeneDx
Classification: Uncertain significance. Last evaluated: 2024-09-12. Review status: criteria provided, single submitter. Criteria: GeneDx Variant Classification Process June 2021. Collection method: clinical testing. Allele origin: germline. Affected: yes.
Comment: Not observed at significant frequency in large population cohorts (gnomAD); In silico analysis indicates that this missense variant does not alter protein structure/function; Has not been previously published as pathogenic or benign to our knowledge

NM_004562.3(PRKN):c.667T>G (p.Ser223Ala)

Gene: PRKN (parkin RBR E3 ubiquitin protein ligase; minus strand). Cytogenetic location: 6q26.
Variant type: single nucleotide variant.
Coding change: c.667T>G on transcript NM_004562.3 (MANE Select); coding-DNA position 667, T replaced by G.
Protein change: p.Ser223Ala; replaces serine 223 with alanine.
Molecular consequence: missense variant.
Genome position (GRCh38, 1-based): chr6:161,973,369, A>C on the plus strand (T>G on the coding strand, the complement: PRKN is on the minus strand). VCF-style: chr6-161973369-A-C. GRCh37 (hg19) VCF-style: chr6-162394401-A-C.
Other names: c.583T>G, p.Ser195Ala (NM_013987.3); c.220T>G, p.Ser74Ala (NM_013988.3); short protein forms S195A, S223A, S74A.
Identifiers: ClinVar variation 3769932 (VCV003769932.1).